The following is an entry in ClinVar:

NM_003571.4(BFSP2):c.11G>A (p.Arg4Lys)

Gene: BFSP2 (beaded filament structural protein 2; plus strand). Cytogenetic location: 3q22.1.
Variant type: single nucleotide variant.
Coding change: c.11G>A on transcript NM_003571.4 (MANE Select); coding-DNA position 11, G replaced by A.
Protein change: p.Arg4Lys; replaces arginine 4 with lysine.
Molecular consequence: missense variant.
Genome position (GRCh38, 1-based): chr3:133,400,094, G>A. VCF-style: chr3-133400094-G-A. GRCh37 (hg19) VCF-style: chr3-133118938-G-A.
Other names: short protein forms R4K.
Identifiers: ClinVar variation 3480525 (VCV003480525.2).
Genomic context (GRCh38, chr3:133,400,094, plus strand): 5'-AGCCACTGGACTCTGTAAACCCACTGGGCACCACAGAGGCAGAAGGGGTGATGAGTGAGA[G>A]GCGAGTGGTAGTGGACTTGCCCACCAGTGCCAGCTCCAGCATGCCCCTCCAGAGGCGCAG-3'
Protein context (NP_003562.1, residues 1-14): MSE[Arg4Lys]RVVVDLPTSA

ClinVar aggregate classification (germline): Uncertain significance. Review status: criteria provided, multiple submitters, no conflicts (2 of 4 stars). 2 submissions from 2 submitters: Uncertain significance (2). Last evaluated 2025-02-04.

Conditions:
Cataract 12 multiple types. Identifiers: Orphanet 91492, MedGen C3808115, MONDO:0012701, OMIM 611597.

gnomAD v4.1: 146 of 1,614,062 alleles (0.009%); highest among the groups gnomAD compares: African/African-American, 0.013%; no homozygotes.

Submissions (2):

Labcorp Genetics (formerly Invitae), Labcorp
Classification: Uncertain significance for Cataract 12 multiple types. Last evaluated: 2025-02-04. Review status: criteria provided, single submitter. Criteria: Invitae Variant Classification Sherloc (09022015). Collection method: clinical testing. Allele origin: germline.
Comment: This sequence change replaces arginine, which is basic and polar, with lysine, which is basic and polar, at codon 4 of the BFSP2 protein (p.Arg4Lys). This variant is present in population databases (rs780839349, gnomAD 0.02%). This variant has not been reported in the literature in individuals affected with BFSP2-related conditions. ClinVar contains an entry for this variant (Variation ID: 3480525). An algorithm developed to predict the effect of missense changes on protein structure and function outputs the following: PolyPhen-2: "Benign". The lysine amino acid residue is found in multiple mammalian species, which suggests that this missense change does not adversely affect protein function. In summary, the available evidence is currently insufficient to determine the role of this variant in disease. Therefore, it has been classified as a Variant of Uncertain Significance.

Ambry Genetics
Classification: Uncertain significance. Last evaluated: 2024-11-09. Review status: criteria provided, single submitter. Criteria: Ambry Variant Classification Scheme 2023. Collection method: clinical testing. Allele origin: germline.